The following is an entry in ClinVar:

ClinVar aggregate classification (germline): Uncertain significance (1 of 4 stars; one submission).

Conditions:
Hypoparathyroidism, familial isolated, 2. Identifiers: MedGen C5394383, MONDO:0020798, OMIM 618883.

Submission:

Illumina Laboratory Services, Illumina
Classification: Uncertain significance for Hypoparathyroidism, familial isolated, 2. Last evaluated: 2023-10-01. Review status: criteria provided, single submitter. Criteria: ISL SNV Classification Criteria 03 February 2026. Collection method: clinical testing. Allele origin: unknown.
Comment: The GCM2 c.91-9C>G variant is an intronic variant and has not, to our knowledge, been reported in the peer-reviewed literature. This variant is not observed in version 2.1.1 or version 3.1.2 of the Genome Aggregation Database. Computational evidence suggests the variant impacts splicing. Based on the available evidence, the c.91-9C>G variant is classified as a variant of uncertain significance for familial isolated hypoparathyroidism.

NM_004752.4(GCM2):c.91-9C>G

Gene: GCM2 (glial cells missing transcription factor 2; minus strand). Cytogenetic location: 6p24.2.
Variant type: single nucleotide variant.
Coding change: c.91-9C>G on transcript NM_004752.4 (MANE Select); 9 bases into the intron before coding-DNA position 91, C replaced by G.
Molecular consequence: intron variant.
Genome position (GRCh38, 1-based): chr6:10,877,401, G>C on the plus strand (C>G on the coding strand, the complement: GCM2 is on the minus strand). VCF-style: chr6-10877401-G-C. GRCh37 (hg19) VCF-style: chr6-10877634-G-C.
Identifiers: ClinVar variation 4759471 (VCV004759471.1).
Genomic context (GRCh38, chr6:10,877,401, plus strand): 5'-AGCGCACATAGCCGTCAGGCCACTCTCGGAATTGGTCAAAGAGGGCCAGCTCCTGGAAGA[G>C]TGCAGAAGGAAGGGTGGTCAGTCTATCCAGTCCAAACTGCACACATCATGCTCTAAAATT-3'